The following is an entry in ClinVar:

ClinVar aggregate classification (germline): Uncertain significance (1 of 4 stars; one submission).

Conditions:
Vissers-Bodmer syndrome. Identifiers: MedGen C5436647, MONDO:0033618, OMIM 619033.

Submission:

Institute of Human Genetics, University of Goettingen
Classification: Uncertain significance for Vissers-Bodmer syndrome. Last evaluated: 2025-02-25. Review status: criteria provided, single submitter. Criteria: ACMG Guidelines, 2015. Collection method: clinical testing. Allele origin: de novo. Inheritance: Autosomal dominant inheritance. Affected: yes.
Comment: The substitution is located in 'NM_001265612.2' exon 34. The variation shows a moderately conserved nucleotide (phyloP: 4.09 [-19.0, 10.9]). The variation generates a 'Synonymous' as coding effect. Codon AAG changed to AAA. Frequencies of Lys-codons in the human genome: AAG (0.575) / AAA (0.425). Splice Prediction: Predicted change at donor site 1 bps downstream: -44.6%.

Literature cited by the submitters: PubMed 31006513.

NM_016284.5(CNOT1):c.4800G>A (p.Lys1600=)

Gene: CNOT1 (CCR4-NOT transcription complex subunit 1; minus strand). Cytogenetic location: 16q21.
Variant type: single nucleotide variant.
Coding change: c.4800G>A on transcript NM_016284.5 (MANE Select); coding-DNA position 4800, G replaced by A.
Protein change: p.Lys1600=; no amino-acid change (lysine 1600 retained).
Molecular consequence: synonymous variant. On other transcripts: non-coding transcript variant (1).
Genome position (GRCh38, 1-based): chr16:58,541,501, C>T on the plus strand (G>A on the coding strand, the complement: CNOT1 is on the minus strand). VCF-style: chr16-58541501-C-T. GRCh37 (hg19) VCF-style: chr16-58575405-C-T.
Other names: c.4785G>A, p.Lys1595= (NM_001265612.2).
Identifiers: ClinVar variation 4813662 (VCV004813662.1).